The following is an entry in ClinVar:

NM_005548.3(KARS1):c.1335C>G (p.Asp445Glu)

Gene: KARS1 (lysyl-tRNA synthetase 1; minus strand). Cytogenetic location: 16q23.1.
Variant type: single nucleotide variant.
Coding change: c.1335C>G on transcript NM_005548.3 (MANE Select); coding-DNA position 1335, C replaced by G.
Protein change: p.Asp445Glu; replaces aspartic acid 445 with glutamic acid.
Molecular consequence: missense variant.
Genome position (GRCh38, 1-based): chr16:75,631,171, G>C on the plus strand (C>G on the coding strand, the complement: KARS1 is on the minus strand). VCF-style: chr16-75631171-G-C. GRCh37 (hg19) VCF-style: chr16-75665069-G-C.
Other names: c.1419C>G, p.Asp473Glu (NM_001130089.2); c.867C>G, p.Asp289Glu (NM_001378148.1); short protein forms D289E, D445E, D473E.
Identifiers: ClinVar variation 1703292 (VCV001703292.3), dbSNP rs751474072, ClinGen allele CA8177308.

ClinVar aggregate classification (germline): Uncertain significance. Review status: criteria provided, multiple submitters, no conflicts (2 of 4 stars). 2 submissions from 2 submitters: Uncertain significance (2). Last evaluated 2022-02-24.

Allele frequency attached by ClinVar (database versions not stated): ExAC 0.00001; gnomAD 0.00001; TOPMed 0.00001.
gnomAD v4.1: 11 of 1,613,030 alleles (0.00068%); highest among the groups gnomAD compares: Non-Finnish European, 0.00093%; no homozygotes.

Submissions (2):

GeneDx
Classification: Uncertain significance. Last evaluated: 2022-02-24. Review status: criteria provided, single submitter. Criteria: GeneDx Variant Classification Process June 2021. Collection method: clinical testing. Allele origin: germline. Affected: yes.
Comment: Not observed at significant frequency in large population cohorts (gnomAD); In silico analysis supports that this missense variant has a deleterious effect on protein structure/function; Has not been previously published as pathogenic or benign to our knowledge

Ambry Genetics
Classification: Uncertain significance. Last evaluated: 2021-12-16. Review status: criteria provided, single submitter. Criteria: Ambry Variant Classification Scheme 2023. Collection method: clinical testing. Allele origin: germline.